The following is an entry in ClinVar:

ClinVar aggregate classification (germline): Uncertain significance (0 of 4 stars; one submission).

Conditions:
NTRK2-related disorder. Also called: NTRK2-related condition.

Submission:

PreventionGenetics, part of Exact Sciences
Classification: Uncertain significance for NTRK2-related condition. Last evaluated: 2024-08-02. Review status: no assertion criteria provided. Collection method: clinical testing. Allele origin: germline.
Comment: The NTRK2 c.1231A>G variant is predicted to result in the amino acid substitution p.Thr411Ala. To our knowledge, this variant has not been reported in the literature or in a large population database, indicating this variant is rare. At this time, the clinical significance of this variant is uncertain due to the absence of conclusive functional and genetic evidence.

NM_006180.6(NTRK2):c.1231A>G (p.Thr411Ala)

Gene: NTRK2 (neurotrophic receptor tyrosine kinase 2; plus strand). Cytogenetic location: 9q21.33.
Variant type: single nucleotide variant.
Coding change: c.1231A>G on transcript NM_006180.6 (MANE Select); coding-DNA position 1231, A replaced by G.
Protein change: p.Thr411Ala; replaces threonine 411 with alanine.
Molecular consequence: missense variant.
Genome position (GRCh38, 1-based): chr9:84,745,008, A>G. VCF-style: chr9-84745008-A-G. GRCh37 (hg19) VCF-style: chr9-87359923-A-G.
Other names: c.1231A>G, p.Thr411Ala (NM_001007097.3, NM_001018064.3, NM_001018065.2 and 15 more transcripts); c.1192A>G, p.Thr398Ala (NM_001291937.2, NM_001369546.1); c.1195A>G, p.Thr399Ala (NM_001369534.1); c.763A>G, p.Thr255Ala (NM_001369535.1, NM_001369536.1, NM_001369550.1 and 2 more transcripts); short protein forms T255A, T398A, T399A, T411A.
Identifiers: ClinVar variation 3346592 (VCV003346592.1).